The following is an entry in ClinVar:

NM_001364905.1(LRBA):c.6388A>G (p.Ile2130Val)

Gene: LRBA (LPS responsive beige-like anchor protein; minus strand). Cytogenetic location: 4q31.3.
Variant type: single nucleotide variant.
Coding change: c.6388A>G on transcript NM_001364905.1 (MANE Select); coding-DNA position 6388, A replaced by G.
Protein change: p.Ile2130Val; replaces isoleucine 2130 with valine.
Molecular consequence: missense variant.
Genome position (GRCh38, 1-based): chr4:150,490,978, T>C on the plus strand (A>G on the coding strand, the complement: LRBA is on the minus strand). VCF-style: chr4-150490978-T-C. GRCh37 (hg19) VCF-style: chr4-151412130-T-C.
Other names: c.6388A>G, p.Ile2130Val (NM_001199282.3, NM_001367550.1); c.6421A>G, p.Ile2141Val (NM_006726.5); short protein forms I2130V, I2141V.
Identifiers: ClinVar variation 659089 (VCV000659089.9), dbSNP rs373680922, ClinGen allele CA3101950.

ClinVar aggregate classification (germline): Uncertain significance. Review status: criteria provided, multiple submitters, no conflicts (2 of 4 stars). 2 submissions from 2 submitters: Uncertain significance (2). Last evaluated 2025-03-27.

Conditions:
Combined immunodeficiency due to LRBA deficiency. Also called: Common variable immunodeficiency 8, with autoimmunity. Identifiers: Orphanet 445018, MedGen C3553512, MONDO:0013863, OMIM 614700.
Inborn genetic diseases. Identifiers: MedGen C0950123, MeSH D030342.

Allele frequency attached by ClinVar (database versions not stated): gnomAD exomes 0.00001 and 0.00002; ExAC 0.00002; gnomAD 0.00003; TOPMed 0.00003; ESP Exome Variant Server 0.00008.
gnomAD v4.1: 11 of 1,610,342 alleles (0.00068%); highest among the groups gnomAD compares: African/African-American, 0.008%; no homozygotes.

Submissions (2):

Ambry Genetics
Classification: Uncertain significance for Inborn genetic diseases. Last evaluated: 2025-03-27. Review status: criteria provided, single submitter. Criteria: Ambry Variant Classification Scheme 2023. Collection method: clinical testing. Allele origin: germline.

Labcorp Genetics (formerly Invitae), Labcorp
Classification: Uncertain significance for Combined immunodeficiency due to LRBA deficiency. Last evaluated: 2018-11-19. Review status: criteria provided, single submitter. Criteria: Invitae Variant Classification Sherloc (09022015). Collection method: clinical testing. Allele origin: germline.
Comment: This variant is present in population databases (rs373680922, ExAC 0.02%). This sequence change replaces isoleucine with valine at codon 2141 of the LRBA protein (p.Ile2141Val). The isoleucine residue is moderately conserved and there is a small physicochemical difference between isoleucine and valine. This variant has not been reported in the literature in individuals with LRBA-related disease. In summary, the available evidence is currently insufficient to determine the role of this variant in disease. Therefore, it has been classified as a Variant of Uncertain Significance. Algorithms developed to predict the effect of missense changes on protein structure and function output the following: SIFT: "Tolerated"; PolyPhen-2: "Benign"; Align-GVGD: "Class C0". The valine amino acid residue is found in multiple mammalian species, suggesting that this missense change does not adversely affect protein function. These predictions have not been confirmed by published functional studies and their clinical significance is uncertain.